The following is an entry in ClinVar:

ClinVar aggregate classification (germline): Likely pathogenic (1 of 4 stars; one submission).

Conditions:
SPTBN4-related disorder. Also called: SPTBN4-related condition.

Allele frequency attached by ClinVar (database versions not stated): gnomAD exomes below 0.00001.
gnomAD v4.1: 1 of 1,566,828 alleles (0.000064%); highest among the groups gnomAD compares: Admixed American, 0.0019%; no homozygotes.

Submission:

PreventionGenetics, part of Exact Sciences
Classification: Likely pathogenic for SPTBN4-related condition. Last evaluated: 2023-07-14. Review status: criteria provided, single submitter. Criteria: ACMG Guidelines, 2015. Collection method: clinical testing. Allele origin: germline.
Comment: The SPTBN4 c.6769C>T variant is predicted to result in premature protein termination (p.Gln2257*). To our knowledge, this variant has not been reported in the literature or in a large population database, indicating this variant is rare. Nonsense variants in SPTBN4 are an established cause of autosomal recessive neurodevelopmental disorder with hypotonia, neuropathy, and deafness (see for example, Wang. 2018. PubMed ID: 29861105). In addition, nonsense variants have been reported in individuals with intellectual disability and autism, some of which were de novo (Rosenfeld et al. 2021. PubMed ID: 33847457). However, the gene-disease association with autosomal dominant intellectual disability is still provisional. This variant is interpreted as likely pathogenic for autosomal recessive disease and uncertain significance for autosomal dominant disease.

NM_020971.3(SPTBN4):c.6769C>T (p.Gln2257Ter)

Gene: SPTBN4 (spectrin beta, non-erythrocytic 4; plus strand). Cytogenetic location: 19q13.2.
Variant type: single nucleotide variant.
Coding change: c.6769C>T on transcript NM_020971.3 (MANE Select); coding-DNA position 6769, C replaced by T.
Protein change: p.Gln2257Ter; replaces glutamine 2257 with a stop codon.
Molecular consequence: nonsense.
Genome position (GRCh38, 1-based): chr19:40,568,095, C>T. VCF-style: chr19-40568095-C-T. GRCh37 (hg19) VCF-style: chr19-41074001-C-T.
Other names: short protein forms Q2257*.
Identifiers: ClinVar variation 2631284 (VCV002631284.1), dbSNP rs2515228997, ClinGen allele CA405916190.
Genomic context (GRCh38, chr19:40,568,095, plus strand): 5'-GCTGATCGCGCGGAGGAGCTGCCCAGGAGGCGGCGGCCTGAGCGGCAAGAGTCAGTCGAT[C>T]AATCCGAGGAGGCTGCGCGGAGGCGGCGGCCGGAGCGGCAGGAGTCAGCGGAGCACGAGG-3'